The following is an entry in ClinVar:

NM_032119.4(ADGRV1):c.1606T>C (p.Tyr536His)

Gene: ADGRV1 (adhesion G protein-coupled receptor V1; plus strand). Cytogenetic location: 5q14.3.
Variant type: single nucleotide variant.
Coding change: c.1606T>C on transcript NM_032119.4 (MANE Select); coding-DNA position 1606, T replaced by C.
Protein change: p.Tyr536His; replaces tyrosine 536 with histidine.
Molecular consequence: missense variant. On other transcripts: non-coding transcript variant (1).
Genome position (GRCh38, 1-based): chr5:90,629,306, T>C. VCF-style: chr5-90629306-T-C. GRCh37 (hg19) VCF-style: chr5-89925123-T-C.
Other names: short protein forms Y536H.
Identifiers: ClinVar variation 4778559 (VCV004778559.1).

ClinVar aggregate classification (germline): Uncertain significance (1 of 4 stars; one submission).

Submission:

Labcorp Genetics (formerly Invitae), Labcorp
Classification: Uncertain significance. Last evaluated: 2025-11-30. Review status: criteria provided, single submitter. Criteria: Invitae Variant Classification Sherloc (09022015). Collection method: clinical testing. Allele origin: germline.
Comment: This sequence change replaces tyrosine, which is neutral and polar, with histidine, which is basic and polar, at codon 536 of the ADGRV1 protein (p.Tyr536His). This variant is not present in population databases (gnomAD no frequency). This variant has not been reported in the literature in individuals affected with ADGRV1-related conditions. Invitae Evidence Modeling of protein sequence and biophysical properties (such as structural, functional, and spatial information, amino acid conservation, physicochemical variation, residue mobility, and thermodynamic stability) indicates that this missense variant is not expected to disrupt ADGRV1 protein function with a negative predictive value of 95%. In summary, the available evidence is currently insufficient to determine the role of this variant in disease. Therefore, it has been classified as a Variant of Uncertain Significance.